The following is an entry in ClinVar:

ClinVar aggregate classification (germline): Pathogenic. Review status: criteria provided, multiple submitters, no conflicts (2 of 4 stars). 3 submissions from 3 submitters: Pathogenic (3). Last evaluated 2026-01-16.

Conditions:
Ververi-Brady syndrome. Identifiers: MedGen C4693824, MONDO:0979877, MONDO:0060707.

Allele frequency attached by ClinVar (database versions not stated): gnomAD exomes below 0.00001; ExAC 0.00001.
gnomAD v4.1: 2 of 1,612,898 alleles (0.00012%); highest among the groups gnomAD compares: Non-Finnish European, 0.00017%; no homozygotes.

Submissions (3):

GeneDx
Classification: Pathogenic. Last evaluated: 2026-01-16. Review status: criteria provided, single submitter. Criteria: GeneDx Variant Classification Process June 2021. Collection method: clinical testing. Allele origin: germline. Affected: yes.
Comment: Nonsense variant predicted to result in protein truncation or nonsense mediated decay in a gene for which loss of function is a known mechanism of disease; This variant is associated with the following publications: (PMID: 33738978, 27694994, 33009816, 33057194, 35982159, 34859529, 30281152)

MGZ Medical Genetics Center
Classification: Pathogenic for Ververi-Brady syndrome 1. Last evaluated: 2022-03-29. Review status: criteria provided, single submitter. Criteria: ACMG Guidelines, 2015. Collection method: clinical testing. Allele origin: germline. Affected: yes. Observed: 1 variant allele.
Comment: ACMG criteria applied: PVS1, PS4_SUP, PM2_SUP, PM6_SUP

Institute of Human Genetics, University of Leipzig Medical Center
Classification: Pathogenic for Ververi-Brady syndrome 1. Last evaluated: 2021-12-21. Review status: criteria provided, single submitter. Criteria: ACMG Guidelines, 2015. Collection method: research. Allele origin: de novo. Affected: yes.

Literature cited by the submitters: PubMed 34859529 (cited by Institute of Human Genetics, University of Leipzig Medical Center).

NM_198880.3(QRICH1):c.1531C>T (p.Arg511Ter)

Gene: QRICH1 (glutamine rich 1; minus strand). Cytogenetic location: 3p21.31.
Variant type: single nucleotide variant.
Coding change: c.1531C>T on transcript NM_198880.3 (MANE Select); coding-DNA position 1531, C replaced by T.
Protein change: p.Arg511Ter; replaces arginine 511 with a stop codon.
Molecular consequence: nonsense.
Genome position (GRCh38, 1-based): chr3:49,046,565, G>A on the plus strand (C>T on the coding strand, the complement: QRICH1 is on the minus strand). VCF-style: chr3-49046565-G-A. GRCh37 (hg19) VCF-style: chr3-49083998-G-A.
Other names: c.1531C>T, p.Arg511Ter (NM_001320581.2, NM_001320582.2, NM_001320583.2 and 4 more transcripts); short protein forms R511*.
Identifiers: ClinVar variation 1329921 (VCV001329921.5), dbSNP rs746059690, ClinGen allele CA2391126.